The following is an entry in ClinVar:

NM_003072.5(SMARCA4):c.3142C>T (p.His1048Tyr)

Gene: SMARCA4 (SWI/SNF related BAF chromatin remodeling complex subunit ATPase 4; plus strand). Cytogenetic location: 19p13.2.
Variant type: single nucleotide variant.
Coding change: c.3142C>T on transcript NM_003072.5 (MANE Select); coding-DNA position 3142, C replaced by T.
Protein change: p.His1048Tyr; replaces histidine 1048 with tyrosine.
Molecular consequence: missense variant. On other transcripts: non-coding transcript variant (1).
Genome position (GRCh38, 1-based): chr19:11,025,482, C>T. VCF-style: chr19-11025482-C-T. GRCh37 (hg19) VCF-style: chr19-11136158-C-T.
Other names: c.3142C>T (NM_001128849.1); c.3142C>T, p.His1048Tyr (NM_001128844.3, NM_001128845.2, NM_001128846.2 and 6 more transcripts); short protein forms H1048Y.
Identifiers: ClinVar variation 2101258 (VCV002101258.5), dbSNP rs2146498021, ClinGen allele CA404059266.

ClinVar aggregate classification (germline): Uncertain significance. Review status: criteria provided, multiple submitters, no conflicts (2 of 4 stars). 2 submissions from 2 submitters: Uncertain significance (2). Last evaluated 2024-03-27.

Conditions:
Rhabdoid tumor predisposition syndrome 2 (RTPS2). Identifiers: Orphanet 231108, Orphanet 69077, MedGen C2750074, MONDO:0013224, OMIM 613325.

Submissions (2):

GeneDx
Classification: Uncertain significance. Last evaluated: 2024-03-27. Review status: criteria provided, single submitter. Criteria: GeneDx Variant Classification Process June 2021. Collection method: clinical testing. Allele origin: germline. Affected: yes.
Comment: Not observed at significant frequency in large population cohorts (gnomAD); In silico analysis supports that this missense variant has a deleterious effect on protein structure/function; Has not been previously published as pathogenic or benign to our knowledge; This variant is associated with the following publications: (PMID: 24658002)

Labcorp Genetics (formerly Invitae), Labcorp
Classification: Uncertain significance for Rhabdoid tumor predisposition syndrome 2. Last evaluated: 2022-02-21. Review status: criteria provided, single submitter. Criteria: Invitae Variant Classification Sherloc (09022015). Collection method: clinical testing. Allele origin: germline.
Comment: This sequence change replaces histidine, which is basic and polar, with tyrosine, which is neutral and polar, at codon 1048 of the SMARCA4 protein (p.His1048Tyr). This variant is not present in population databases (gnomAD no frequency). This variant has not been reported in the literature in individuals affected with SMARCA4-related conditions. Algorithms developed to predict the effect of missense changes on protein structure and function are either unavailable or do not agree on the potential impact of this missense change (SIFT: "Deleterious"; PolyPhen-2: "Possibly Damaging"; Align-GVGD: "Class C0"). In summary, the available evidence is currently insufficient to determine the role of this variant in disease. Therefore, it has been classified as a Variant of Uncertain Significance.